The following is an entry in ClinVar:

NM_030662.4(MAP2K2):c.703G>T (p.Ala235Ser)

Gene: MAP2K2 (mitogen-activated protein kinase kinase 2; minus strand). Cytogenetic location: 19p13.3.
Variant type: single nucleotide variant.
Coding change: c.703G>T on transcript NM_030662.4 (MANE Select); coding-DNA position 703, G replaced by T.
Protein change: p.Ala235Ser; replaces alanine 235 with serine.
Molecular consequence: missense variant.
Genome position (GRCh38, 1-based): chr19:4,101,021, C>A on the plus strand (G>T on the coding strand, the complement: MAP2K2 is on the minus strand). VCF-style: chr19-4101021-C-A. GRCh37 (hg19) VCF-style: chr19-4101019-C-A.
Other names: short protein forms A235S.
Identifiers: ClinVar variation 1368592 (VCV001368592.8), dbSNP rs1166526430, ClinGen allele CA403388265.

ClinVar aggregate classification (germline): Uncertain significance (1 of 4 stars; one submission).

Conditions:
RASopathy. Also called: Noonan spectrum disorder; rasopathies. Identifiers: Orphanet 536391, MedGen C5555857, MONDO:0021060.

Allele frequency attached by ClinVar (database versions not stated): gnomAD exomes below 0.00001.
gnomAD v4.1: 1 of 1,557,702 alleles (0.000064%); highest among the groups gnomAD compares: Non-Finnish European, 0.000087%; no homozygotes.

Submission:

Labcorp Genetics (formerly Invitae), Labcorp
Classification: Uncertain significance for RASopathy. Last evaluated: 2022-09-07. Review status: criteria provided, single submitter. Criteria: Invitae Variant Classification Sherloc (09022015). Collection method: clinical testing. Allele origin: germline.
Comment: Algorithms developed to predict the effect of missense changes on protein structure and function output the following: SIFT: "Tolerated"; PolyPhen-2: "Benign"; Align-GVGD: "Class C0". The serine amino acid residue is found in multiple mammalian species, which suggests that this missense change does not adversely affect protein function. In summary, the available evidence is currently insufficient to determine the role of this variant in disease. Therefore, it has been classified as a Variant of Uncertain Significance. ClinVar contains an entry for this variant (Variation ID: 1368592). This variant has not been reported in the literature in individuals affected with MAP2K2-related conditions. This variant is not present in population databases (gnomAD no frequency). This sequence change replaces alanine, which is neutral and non-polar, with serine, which is neutral and polar, at codon 235 of the MAP2K2 protein (p.Ala235Ser).